The following is an entry in ClinVar:

NM_004006.3(DMD):c.8885C>T (p.Pro2962Leu)

Gene: DMD (dystrophin; minus strand). Cytogenetic location: Xp21.2.
Variant type: single nucleotide variant.
Coding change: c.8885C>T on transcript NM_004006.3 (MANE Select); coding-DNA position 8885, C replaced by T.
Protein change: p.Pro2962Leu; replaces proline 2962 with leucine.
Molecular consequence: missense variant.
Genome position (GRCh38, 1-based): chrX:31,478,158, G>A on the plus strand (C>T on the coding strand, the complement: DMD is on the minus strand). VCF-style: chrX-31478158-G-A. GRCh37 (hg19) VCF-style: chrX-31496275-G-A.
Other names: c.8861C>T, p.Pro2954Leu (NM_000109.4); c.8873C>T, p.Pro2958Leu (NM_004009.3); c.8516C>T, p.Pro2839Leu (NM_004010.3); c.4862C>T, p.Pro1621Leu (NM_004011.4); c.4853C>T, p.Pro1618Leu (NM_004012.4); c.1505C>T, p.Pro502Leu (NM_004013.3, NM_004020.4, NM_004021.3 and 2 more transcripts); c.698C>T, p.Pro233Leu (NM_004014.3); short protein forms P2958L, P1621L, P502L, P1618L, P233L, P2839L, P2954L, P2962L.
Identifiers: ClinVar variation 913557 (VCV000913557.17), dbSNP rs151087470, ClinGen allele CA10377973.

ClinVar aggregate classification (germline): Conflicting classifications of pathogenicity. Review status: criteria provided, conflicting classifications (1 of 4 stars). 6 submissions from 6 submitters: Uncertain significance (4); Likely benign (1). 1 of the submissions does not count toward it. Last evaluated 2026-01-20.

Conditions:
Cardiovascular phenotype. Identifiers: MedGen CN230736.
Dilated cardiomyopathy 3B (CMD3B). Also called: CMD3B: DMD-Related Dilated Cardiomyopathy; CARDIOMYOPATHY, DILATED, X-LINKED; DMD-Associated Dilated Cardiomyopathy. Identifiers: Orphanet 154, MedGen C3668940, MONDO:0010542, OMIM 302045.
Becker muscular dystrophy (BMD). Also called: MUSCULAR DYSTROPHY, PSEUDOHYPERTROPHIC PROGRESSIVE, BECKER TYPE; Becker Muscular Dystrophy (BMD). Identifiers: Orphanet 98895, MedGen C0917713, MONDO:0010311, OMIM 300376.
Duchenne muscular dystrophy (DMD). Also called: Duchenne Muscular Dystrophy (DMD); MUSCULAR DYSTROPHY, PSEUDOHYPERTROPHIC PROGRESSIVE, DUCHENNE TYPE. Identifiers: Orphanet 98896, MedGen C0013264, MONDO:0010679, OMIM 310200.
Cardiomyopathy (CMYO). Also called: Cardiomyopathies. Identifiers: Orphanet 167848, MedGen C0878544, MONDO:0004994, HP:0001638. Inheritance: Various modes of inheritance.
Dystrophin deficiency.

Allele frequency attached by ClinVar (database versions not stated): TOPMed below 0.00001; gnomAD 0.00001 and 0.00005; gnomAD exomes 0.00003 and 0.00031; ExAC 0.00008; 1000 Genomes Project 30x 0.00042; 1000 Genomes Project 0.00053.
gnomAD v4.1: 138 of 1,208,761 alleles (0.011%); highest among the groups gnomAD compares: East Asian, 0.41%; no homozygotes.

Submissions (6):

Labcorp Genetics (formerly Invitae), Labcorp
Classification: Likely benign for Duchenne muscular dystrophy. Last evaluated: 2026-01-20. Review status: criteria provided, single submitter. Criteria: Invitae Variant Classification Sherloc (09022015). Collection method: clinical testing. Allele origin: germline.

Fulgent Genetics
Classification: Uncertain significance for Becker muscular dystrophy; Dilated cardiomyopathy 3B; Duchenne muscular dystrophy. Last evaluated: 2023-12-21. Review status: criteria provided, single submitter. Criteria: ACMG Guidelines, 2015. Collection method: clinical testing. Allele origin: germline.

Ambry Genetics
Classification: Uncertain significance for Cardiovascular phenotype. Last evaluated: 2023-08-09. Review status: criteria provided, single submitter. Criteria: Ambry Variant Classification Scheme 2023. Collection method: clinical testing. Allele origin: germline.
Comment: The p.P2962L variant (also known as c.8885C>T), located in coding exon 59 of the DMD gene, results from a C to T substitution at nucleotide position 8885. The proline at codon 2962 is replaced by leucine, an amino acid with similar properties. Based on data from gnomAD, the T allele has an overall frequency of 0.0033% (6/180402) total alleles studied, with 1 hemizygote(s) observed. The highest observed frequency was 0.0437% (6/13745) of East Asian alleles. This amino acid position is highly conserved in available vertebrate species. In addition, this alteration is predicted to be deleterious by in silico analysis. Since supporting evidence is limited at this time, the clinical significance of this alteration remains unclear.

Women's Health and Genetics/Laboratory Corporation of America, LabCorp
Classification: Uncertain significance. Last evaluated: 2023-04-26. Review status: criteria provided, single submitter. Criteria: LabCorp Variant Classification Summary - May 2015. Collection method: clinical testing. Allele origin: germline.

Illumina Laboratory Services, Illumina
Classification: Uncertain significance for Dilated cardiomyopathy 3B. Last evaluated: 2018-01-13. Review status: criteria provided, single submitter. Criteria: ICSL Variant Classification Criteria 13 December 2019. Collection method: clinical testing. Allele origin: germline.

Natera, Inc.
Classification: Uncertain significance for Becker muscular dystrophy; Cardiomyopathy; Duchenne muscular dystrophy; Dystrophin deficiency. Last evaluated: 2020-05-11. Review status: no assertion criteria provided. Collection method: clinical testing. Allele origin: germline. Not counted in ClinVar's aggregate classification.